The following is an entry in ClinVar:

ClinVar aggregate classification (germline): Conflicting classifications of pathogenicity. Review status: criteria provided, conflicting classifications (1 of 4 stars). 2 submissions from 2 submitters: Uncertain significance (1); Likely benign (1). Last evaluated 2025-01-06.

Conditions:
Diffuse cerebral and cerebellar atrophy - intractable seizures - progressive microcephaly syndrome. Also called: Microcephaly, progressive, with seizures and cerebral and cerebellar atrophy. Identifiers: Orphanet 404437, MedGen C4014239, MONDO:0014335, OMIM 615760.

Allele frequency attached by ClinVar (database versions not stated): gnomAD exomes below 0.00001; ExAC 0.00001; gnomAD 0.00001; TOPMed 0.00002.
gnomAD v4.1: 5 of 1,614,080 alleles (0.00031%); highest among the groups gnomAD compares: Non-Finnish European, 0.00042%; no homozygotes.

Submissions (2):

Labcorp Genetics (formerly Invitae), Labcorp
Classification: Likely benign for Diffuse cerebral and cerebellar atrophy - intractable seizures - progressive microcephaly syndrome. Last evaluated: 2025-01-06. Review status: criteria provided, single submitter. Criteria: Invitae Variant Classification Sherloc (09022015). Collection method: clinical testing. Allele origin: germline.

Center for Genomics, Ann and Robert H. Lurie Children's Hospital of Chicago
Classification: Uncertain significance. Last evaluated: 2021-11-11. Review status: criteria provided, single submitter. Criteria: ACMG Guidelines, 2015. Collection method: clinical testing. Allele origin: germline.
Comment: QARS NM_005051.2 exon 16 p.Val493= (c.1479T>C): This variant has not been reported in the literature but is present in 2/126686 European alleles in the Genome Aggregation Database. Evolutionary conservation and computational predictive tools for this variant are limited or unavailable. Of note, this variant is a silent variant and does not change the amino acid, reducing the probability that this variant is disease causing. In summary, data on this variant is insufficient for disease classification. Therefore, the clinical significance of this variant is uncertain.

NM_005051.3(QARS1):c.1479T>C (p.Val493=)

Gene: QARS1 (glutaminyl-tRNA synthetase 1; minus strand). Cytogenetic location: 3p21.31.
Variant type: single nucleotide variant.
Coding change: c.1479T>C on transcript NM_005051.3 (MANE Select); coding-DNA position 1479, T replaced by C.
Protein change: p.Val493=; no amino-acid change (valine 493 retained).
Molecular consequence: synonymous variant. On other transcripts: non-coding transcript variant (1).
Genome position (GRCh38, 1-based): chr3:49,099,557, A>G on the plus strand (T>C on the coding strand, the complement: QARS1 is on the minus strand). VCF-style: chr3-49099557-A-G. GRCh37 (hg19) VCF-style: chr3-49136990-A-G.
Other names: c.1446T>C, p.Val482= (NM_001272073.2).
Identifiers: ClinVar variation 626156 (VCV000626156.6), dbSNP rs776640127, ClinGen allele CA2391744.